The following is an entry in ClinVar:

ClinVar aggregate classification (germline): Conflicting classifications of pathogenicity. Review status: criteria provided, conflicting classifications (1 of 4 stars). 5 submissions from 5 submitters: Uncertain significance (1); Likely benign (4). Last evaluated 2025-12-30.

Conditions:
Inborn genetic diseases. Identifiers: MedGen C0950123, MeSH D030342.
C6-related disorder. Also called: C6-related condition.

Allele frequency attached by ClinVar (database versions not stated): gnomAD exomes 0.00016 and 0.00025; ExAC 0.00021; gnomAD 0.00034 and 0.00039; TOPMed 0.00048; ESP Exome Variant Server 0.00085.

Submissions (5):

Labcorp Genetics (formerly Invitae), Labcorp
Classification: Likely benign. Last evaluated: 2025-12-30. Review status: criteria provided, single submitter. Criteria: Invitae Variant Classification Sherloc (09022015). Collection method: clinical testing. Allele origin: germline.

PreventionGenetics, part of Exact Sciences
Classification: Uncertain significance for C6-related condition. Last evaluated: 2024-12-23. Review status: criteria provided, single submitter. Criteria: ACMG Guidelines, 2015. Collection method: clinical testing. Allele origin: germline.
Comment: The C6 c.1787G>A variant is predicted to result in the amino acid substitution p.Arg596Gln. To our knowledge, this variant has not been reported in the literature. This variant is reported in 0.28% of alleles in individuals of Ashkenazi Jewish descent in gnomAD, which may be too common to be causative. Although we suspect that this variant may be benign, at this time, the clinical significance of this variant is uncertain due to the absence of conclusive functional and genetic evidence.

Blueprint Genetics
Classification: Likely benign. Last evaluated: 2024-11-25. Review status: criteria provided, single submitter. Criteria: ACMG Guidelines, 2015. Collection method: clinical testing. Allele origin: germline.

Ambry Genetics
Classification: Likely benign for Inborn genetic diseases. Last evaluated: 2021-12-20. Review status: criteria provided, single submitter. Criteria: Ambry Variant Classification Scheme 2023. Collection method: clinical testing. Allele origin: germline.

Breakthrough Genomics
Classification: Likely benign. Review status: criteria provided, single submitter. Criteria: ACMG Guidelines, 2015. Collection method: not provided. Allele origin: germline. Inheritance: Autosomal recessive inheritance. Affected: yes.

NM_000065.5(C6):c.1787G>A (p.Arg596Gln)

Gene: C6 (complement C6; minus strand). Cytogenetic location: 5p13.1.
Variant type: single nucleotide variant.
Coding change: c.1787G>A on transcript NM_000065.5 (MANE Select); coding-DNA position 1787, G replaced by A.
Protein change: p.Arg596Gln; replaces arginine 596 with glutamine.
Molecular consequence: missense variant.
Genome position (GRCh38, 1-based): chr5:41,159,151, C>T on the plus strand (G>A on the coding strand, the complement: C6 is on the minus strand). VCF-style: chr5-41159151-C-T. GRCh37 (hg19) VCF-style: chr5-41159253-C-T.
Other names: c.1787G>A, p.Arg596Gln (NM_001115131.4); c.1787G>A (NM_000065.2, NM_000065.3); short protein forms R596Q.
Identifiers: ClinVar variation 1137982 (VCV001137982.13), dbSNP rs148521858, ClinGen allele CA3252339.